The following is an entry in ClinVar:

NM_198334.3(GANAB):c.661G>C (p.Asp221His)

Gene: GANAB (glucosidase II alpha subunit; minus strand). Cytogenetic location: 11q12.3.
Variant type: single nucleotide variant.
Coding change: c.661G>C on transcript NM_198334.3 (MANE Select); coding-DNA position 661, G replaced by C.
Protein change: p.Asp221His; replaces aspartic acid 221 with histidine.
Molecular consequence: missense variant. On other transcripts: 5 prime UTR variant (2).
Genome position (GRCh38, 1-based): chr11:62,633,241, C>G on the plus strand (G>C on the coding strand, the complement: GANAB is on the minus strand). VCF-style: chr11-62633241-C-G. GRCh37 (hg19) VCF-style: chr11-62400713-C-G.
Other names: c.727G>C, p.Asp243His (NM_198335.4); c.385G>C, p.Asp129His (NM_001278192.2); c.319G>C, p.Asp107His (NM_001278193.2); c.370G>C, p.Asp124His (NM_001278194.2, NM_001329222.2, NM_001329223.2); c.-63G>C (NM_001329224.2, NM_001329225.2); short protein forms D107H, D221H, D243H, D124H, D129H.
Identifiers: ClinVar variation 2484646 (VCV002484646.4), dbSNP rs765645798, ClinGen allele CA223049055.

ClinVar aggregate classification (germline): Uncertain significance. Review status: criteria provided, multiple submitters, no conflicts (2 of 4 stars). 3 submissions from 3 submitters: Uncertain significance (3). Last evaluated 2026-01-11.

Conditions:
Polycystic kidney disease 3 with or without polycystic liver disease. Also called: Polycystic kidney disease 3; Polycystic Kidney and/or Polycystic Liver Disease 3; POLYCYSTIC KIDNEY DISEASE, ADULT, TYPE III. Identifiers: MedGen C3887964, MONDO:0010916, OMIM 600666.
Inborn genetic diseases. Identifiers: MedGen C0950123, MeSH D030342.

Allele frequency attached by ClinVar (database versions not stated): TOPMed below 0.00001; gnomAD 0.00001; gnomAD exomes 0.00001.
gnomAD v4.1: 6 of 1,614,002 alleles (0.00037%); highest among the groups gnomAD compares: Admixed American, 0.005%; no homozygotes.

Submissions (3):

Labcorp Genetics (formerly Invitae), Labcorp
Classification: Uncertain significance. Last evaluated: 2026-01-11. Review status: criteria provided, single submitter. Criteria: Invitae Variant Classification Sherloc (09022015). Collection method: clinical testing. Allele origin: germline.
Comment: This sequence change replaces aspartic acid, which is acidic and polar, with histidine, which is basic and polar, at codon 243 of the GANAB protein (p.Asp243His). This variant is present in population databases (rs765645798, gnomAD 0.009%). This variant has not been reported in the literature in individuals affected with GANAB-related conditions. ClinVar contains an entry for this variant (Variation ID: 2484646). An algorithm developed to predict the effect of missense changes on protein structure and function (PolyPhen-2) suggests that this variant is likely to be tolerated. In summary, the available evidence is currently insufficient to determine the role of this variant in disease. Therefore, it has been classified as a Variant of Uncertain Significance.

Fulgent Genetics
Classification: Uncertain significance for Polycystic kidney disease 3 with or without polycystic liver disease. Last evaluated: 2024-06-18. Review status: criteria provided, single submitter. Criteria: ACMG Guidelines, 2015. Collection method: clinical testing. Allele origin: germline.

Ambry Genetics
Classification: Uncertain significance for Inborn genetic diseases. Last evaluated: 2023-02-15. Review status: criteria provided, single submitter. Criteria: Ambry Variant Classification Scheme 2023. Collection method: clinical testing. Allele origin: germline.